The following is an entry in ClinVar:

ClinVar aggregate classification (germline): Uncertain significance (1 of 4 stars; one submission).

Conditions:
Hereditary cancer-predisposing syndrome. Also called: Hereditary Cancer Syndrome; Tumor predisposition; Hereditary neoplastic syndrome; Neoplastic Syndromes, Hereditary. Identifiers: Orphanet 140162, MedGen C0027672, MeSH D009386, MONDO:0015356.

Submission:

Ambry Genetics
Classification: Uncertain significance for Hereditary cancer-predisposing syndrome. Last evaluated: 2024-11-18. Review status: criteria provided, single submitter. Criteria: Ambry Variant Classification Scheme 2023. Collection method: clinical testing. Allele origin: germline.
Comment: The p.F1040I variant (also known as c.3118T>A), located in coding exon 4 of the MSH6 gene, results from a T to A substitution at nucleotide position 3118. The phenylalanine at codon 1040 is replaced by isoleucine, an amino acid with highly similar properties. This amino acid position is conserved. In addition, this alteration is predicted to be deleterious by in silico analysis. Based on the available evidence, the clinical significance of this variant remains unclear.

NM_000179.3(MSH6):c.3118T>A (p.Phe1040Ile)

Gene: MSH6 (mutS homolog 6; plus strand). Cytogenetic location: 2p16.3.
Variant type: single nucleotide variant.
Coding change: c.3118T>A on transcript NM_000179.3 (MANE Select); coding-DNA position 3118, T replaced by A.
Protein change: p.Phe1040Ile; replaces phenylalanine 1040 with isoleucine.
Molecular consequence: missense variant. On other transcripts: non-coding transcript variant (5), intron variant (2).
Genome position (GRCh38, 1-based): chr2:47,801,101, T>A. VCF-style: chr2-47801101-T-A. GRCh37 (hg19) VCF-style: chr2-48028240-T-A.
Other names: c.2728T>A, p.Phe910Ile (NM_001281492.2); c.2212T>A, p.Phe738Ile (NM_001281493.2, NM_001281494.2, NM_001406811.1 and 6 more transcripts); c.3214T>A, p.Phe1072Ile (NM_001406795.1, NM_001406802.1); c.3118T>A, p.Phe1040Ile (NM_001406796.1, NM_001406798.1, NM_001406800.1 and 2 more transcripts); c.2821T>A, p.Phe941Ile (NM_001406797.1, NM_001406801.1, NM_001406805.1 and 10 more transcripts); c.2593T>A, p.Phe865Ile (NM_001406799.1, NM_001406806.1, NM_001406807.1); c.3040T>A, p.Phe1014Ile (NM_001406804.1); c.3124T>A, p.Phe1042Ile (NM_001406813.1); and 4 more; short protein forms F865I, F910I, F984I, F355I, F1014I, F1040I, F738I, F941I.
Identifiers: ClinVar variation 3398967 (VCV003398967.1).